The following is an entry in ClinVar:

NM_001849.4(COL6A2):c.2461+2354C>T

Gene: COL6A2 (collagen type VI alpha 2 chain; plus strand). Cytogenetic location: 21q22.3.
Variant type: single nucleotide variant.
Coding change: c.2461+2354C>T on transcript NM_001849.4 (MANE Select); 2354 bases into the intron after coding-DNA position 2461, C replaced by T.
Molecular consequence: intron variant.
Genome position (GRCh38, 1-based): chr21:46,128,895, C>T. VCF-style: chr21-46128895-C-T. GRCh37 (hg19) VCF-style: chr21-47548809-C-T.
Other names: c.2462-8C>T (NM_058175.3); c.2462-301C>T (NM_058174.3).
Identifiers: ClinVar variation 3040912 (VCV003040912.2), dbSNP rs369093181, ClinGen allele CA10072666.

ClinVar aggregate classification (germline): Likely benign (0 of 4 stars; one submission).

Conditions:
COL6A2-related disorder.

Allele frequency attached by ClinVar (database versions not stated): TOPMed 0.00007; ExAC 0.00008; ESP Exome Variant Server 0.00008; gnomAD 0.00008.
gnomAD v4.1: 73 of 1,610,120 alleles (0.0045%); highest among the groups gnomAD compares: South Asian, 0.029%; 1 homozygote.

Submission:

PreventionGenetics, part of Exact Sciences
Classification: Likely benign for COL6A2-related condition. Last evaluated: 2019-12-26. Review status: no assertion criteria provided. Collection method: clinical testing. Allele origin: germline.
Comment: This variant is classified as likely benign based on ACMG/AMP sequence variant interpretation guidelines (Richards et al. 2015 PMID: 25741868, with internal and published modifications).